The following is an entry in ClinVar:

ClinVar aggregate classification (germline): Likely benign (1 of 4 stars; one submission).

Submission:

CeGaT Center for Human Genetics Tuebingen
Classification: Likely benign. Last evaluated: 2023-06-01. Review status: criteria provided, single submitter. Criteria: CeGaT Center For Human Genetics Tuebingen Variant Classification Criteria Version 2. Collection method: clinical testing. Allele origin: germline. Affected: yes. Observed: 2 variant alleles.
Comment: OGFR: BS2

NM_007346.4(OGFR):c.1906_1965del (p.Glu636_Ala655del)

Gene: OGFR (opioid growth factor receptor; plus strand). Cytogenetic location: 20q13.33.
Variant type: Deletion.
Coding change: c.1906_1965del on transcript NM_007346.4 (MANE Select); coding-DNA positions 1906 to 1965, 60 bases deleted.
Protein change: p.Glu636_Ala655del.
Molecular consequence: inframe deletion.
Genome position (GRCh38, 1-based): chr20:62,813,521-62,813,580, 60 bases deleted. GRCh37 (hg19): chr20:61,444,873-61,444,932.
Identifiers: ClinVar variation 2652506 (VCV002652506.24), dbSNP rs1568742043, ClinGen allele CA9948881.